The following is an entry in ClinVar:

NM_198075.4(LRRC56):c.1221G>A (p.Gly407=)

Gene: LRRC56 (leucine rich repeat containing 56; plus strand). Cytogenetic location: 11p15.5.
Variant type: single nucleotide variant.
Coding change: c.1221G>A on transcript NM_198075.4 (MANE Select); coding-DNA position 1221, G replaced by A.
Protein change: p.Gly407=; no amino-acid change (glycine 407 retained).
Molecular consequence: synonymous variant.
Genome position (GRCh38, 1-based): chr11:552,608, G>A. VCF-style: chr11-552608-G-A. GRCh37 (hg19) VCF-style: chr11-552608-G-A.
Identifiers: ClinVar variation 1911889 (VCV001911889.3), dbSNP rs779925205, ClinGen allele CA5780025.
Genomic context (GRCh38, chr11:552,608, plus strand): 5'-CTCCTCCTCTCCCCACCCTAGCCCCCTCCCCTATAGGCACCCGGAGTCCCAACAGGAAGG[G>A]GCTGTAGCCCCCTGGGGCCCACGGAGGGTCCCTGAAGAGCAAGTGCACCAGGCAGAGCCC-3'
Protein context (NP_932341.1, residues 397-417): PYRHPESQQE[Gly407=]AVAPWGPRRV

ClinVar aggregate classification (germline): Uncertain significance (1 of 4 stars; one submission).

Allele frequency attached by ClinVar (database versions not stated): TOPMed below 0.00001; ExAC 0.00001; gnomAD 0.00001.
gnomAD v4.1: 7 of 1,609,796 alleles (0.00043%); highest among the groups gnomAD compares: East Asian, 0.0022%; no homozygotes.

Submission:

Labcorp Genetics (formerly Invitae), Labcorp
Classification: Uncertain significance. Last evaluated: 2022-08-03. Review status: criteria provided, single submitter. Criteria: Invitae Variant Classification Sherloc (09022015). Collection method: clinical testing. Allele origin: germline.
Comment: This sequence change affects codon 407 of the LRRC56 mRNA. It is a 'silent' change, meaning that it does not change the encoded amino acid sequence of the LRRC56 protein. This variant is present in population databases (rs779925205, gnomAD 0.006%). This variant has not been reported in the literature in individuals affected with LRRC56-related conditions. Algorithms developed to predict the effect of sequence changes on RNA splicing suggest that this variant may create or strengthen a splice site. In summary, the available evidence is currently insufficient to determine the role of this variant in disease. Therefore, it has been classified as a Variant of Uncertain Significance.